The following is an entry in ClinVar:

ClinVar aggregate classification (germline): Uncertain significance (1 of 4 stars; one submission).

Conditions:
Mendelian susceptibility to mycobacterial diseases due to complete ISG15 deficiency. Also called: Immunodeficiency 38; IMMUNODEFICIENCY 38, MYCOBACTERIOSIS, AUTOSOMAL RECESSIVE; ISG15 DEFICIENCY, AUTOSOMAL RECESSIVE; Immunodeficiency 38 with basal ganglia calcification. Identifiers: Orphanet 319563, MedGen C4015293, MONDO:0014502, OMIM 616126.

Allele frequency attached by ClinVar (database versions not stated): gnomAD exomes 0.00001; ExAC 0.00002; TOPMed 0.00002; gnomAD 0.00003; 1000 Genomes Project 30x 0.00031; 1000 Genomes Project 0.00040.

Submission:

Labcorp Genetics (formerly Invitae), Labcorp
Classification: Uncertain significance for Mendelian susceptibility to mycobacterial diseases due to complete ISG15 deficiency. Last evaluated: 2024-07-29. Review status: criteria provided, single submitter. Criteria: Invitae Variant Classification Sherloc (09022015). Collection method: clinical testing. Allele origin: germline.
Comment: This sequence change replaces glutamic acid, which is acidic and polar, with lysine, which is basic and polar, at codon 97 of the ISG15 protein (p.Glu97Lys). This variant is present in population databases (rs554446856, gnomAD 0.01%). This variant has not been reported in the literature in individuals affected with ISG15-related conditions. ClinVar contains an entry for this variant (Variation ID: 2163956). An algorithm developed to predict the effect of missense changes on protein structure and function (PolyPhen-2) suggests that this variant is likely to be disruptive. In summary, the available evidence is currently insufficient to determine the role of this variant in disease. Therefore, it has been classified as a Variant of Uncertain Significance.

NM_005101.4(ISG15):c.289G>A (p.Glu97Lys)

Gene: ISG15 (ISG15 ubiquitin like modifier; plus strand). Cytogenetic location: 1p36.33.
Variant type: single nucleotide variant.
Coding change: c.289G>A on transcript NM_005101.4 (MANE Select); coding-DNA position 289, G replaced by A.
Protein change: p.Glu97Lys; replaces glutamic acid 97 with lysine.
Molecular consequence: missense variant.
Genome position (GRCh38, 1-based): chr1:1,014,269, G>A. VCF-style: chr1-1014269-G-A. GRCh37 (hg19) VCF-style: chr1-949649-G-A.
Other names: short protein forms E97K.
Identifiers: ClinVar variation 2163956 (VCV002163956.4), dbSNP rs554446856, ClinGen allele CA507665.